The following is an entry in ClinVar:

ClinVar aggregate classification (germline): Benign. Review status: criteria provided, multiple submitters, no conflicts (2 of 4 stars). 2 submissions from 2 submitters: Benign (2). Last evaluated 2018-01-13.

Conditions:
Biotin-responsive basal ganglia disease (BTBGD). Also called: Thiamine Transporter-2 Deficiency; THIAMINE METABOLISM DYSFUNCTION SYNDROME 2 (BIOTIN- AND THIAMINE-RESPONSIVE TYPE); Thiamine metabolism dysfunction syndrome type 2; Thiamine metabolism dysfunction syndrome 2 (biotin- or thiamine-responsive encephalopathy type 2); thiamine-responsive encephalopathy. Identifiers: Orphanet 199348, Orphanet 65284, MedGen C1843807, MONDO:0011841, OMIM 607483.

Allele frequency attached by ClinVar (database versions not stated): gnomAD exomes 0.00702; gnomAD 0.07456 and 0.07950; TOPMed 0.08325; 1000 Genomes Project 0.08446; 1000 Genomes Project 30x 0.09525.
gnomAD v4.1: 11,247 of 152,784 alleles (7.4%); highest among the groups gnomAD compares: African/African-American, 24%; 1,176 homozygotes.

Submissions (2):

Illumina Laboratory Services, Illumina
Classification: Benign for Biotin-responsive basal ganglia disease. Last evaluated: 2018-01-13. Review status: criteria provided, single submitter. Criteria: ICSL Variant Classification Criteria 13 December 2019. Collection method: clinical testing. Allele origin: germline.
Comment: This variant was observed in the ICSL laboratory as part of a predisposition screen in an ostensibly healthy population. It had not been previously curated by ICSL or reported in the Human Gene Mutation Database (HGMD: prior to June 1st, 2018), and was therefore a candidate for classification through an automated scoring system. Utilizing variant allele frequency, disease prevalence and penetrance estimates, and inheritance mode, an automated score was calculated to assess if this variant is too frequent to cause the disease. Based on the score and internal cut-off values, a variant classified as benign is not then subjected to further curation. The score for this variant resulted in a classification of benign for this disease.

Breakthrough Genomics
Classification: Benign. Review status: criteria provided, single submitter. Criteria: ACMG Guidelines, 2015. Collection method: not provided. Allele origin: germline. Inheritance: Autosomal recessive inheritance. Affected: yes.

NM_025243.4(SLC19A3):c.*1684A>G

Gene: SLC19A3 (solute carrier family 19 member 3; minus strand). Cytogenetic location: 2q36.3.
Variant type: single nucleotide variant.
Coding change: c.*1684A>G on transcript NM_025243.4 (MANE Select); 1684 bases downstream of the stop codon, A replaced by G.
Molecular consequence: 3 prime UTR variant.
Genome position (GRCh38, 1-based): chr2:227,685,713, T>C on the plus strand (A>G on the coding strand, the complement: SLC19A3 is on the minus strand). VCF-style: chr2-227685713-T-C. GRCh37 (hg19) VCF-style: chr2-228550429-T-C.
Identifiers: ClinVar variation 334849 (VCV000334849.6), dbSNP rs12105737, ClinGen allele CA10613047.
Genomic context (GRCh38, chr2:227,685,713, plus strand): 5'-ACCTCTCACTTCAGCCTCCCAAAATGCTGGGATTACAGGTGTGAGCCACAGCTTCCAGCC[T>C]TAATATAAATCTTGACTCAGCATTCTTTATTCTCACTGTCAGACTGCTCAATGCATCCCT-3'